The following is an entry in ClinVar:

NM_000214.3(JAG1):c.2538C>A (p.Cys846Ter)

Gene: JAG1 (jagged canonical Notch ligand 1; minus strand). Cytogenetic location: 20p12.2.
Variant type: single nucleotide variant.
Coding change: c.2538C>A on transcript NM_000214.3 (MANE Select); coding-DNA position 2538, C replaced by A.
Protein change: p.Cys846Ter; replaces cysteine 846 with a stop codon.
Molecular consequence: nonsense.
Genome position (GRCh38, 1-based): chr20:10,642,522, G>T on the plus strand (C>A on the coding strand, the complement: JAG1 is on the minus strand). VCF-style: chr20-10642522-G-T. GRCh37 (hg19) VCF-style: chr20-10623170-G-T.
Other names: short protein forms C846*.
Identifiers: ClinVar variation 2443429 (VCV002443429.1), dbSNP rs2122598522, ClinGen allele CA408245535.
Genomic context (GRCh38, chr20:10,642,522, plus strand): 5'-GGGCAGCTGAAGCCTGGCACACATACCTTCCTGGCACTTGGCACCACTGTGCCCTGGAGG[G>T]CAGACACACCGGTAGCCATTGATCTCATCCACACAGGTCGCTCCAAAGGCACAAGGTGAA-3'

ClinVar aggregate classification (germline): Pathogenic (1 of 4 stars; one submission).

gnomAD v4.1: 1 of 1,613,502 alleles (0.000062%); highest among the groups gnomAD compares: Non-Finnish European, 0.000085%; no homozygotes.

Submission:

GeneDx
Classification: Pathogenic. Last evaluated: 2022-09-14. Review status: criteria provided, single submitter. Criteria: GeneDx Variant Classification Process June 2021. Collection method: clinical testing. Allele origin: germline. Affected: yes.
Comment: Nonsense variant predicted to result in protein truncation or nonsense mediated decay in a gene for which loss of function is a known mechanism of disease; Not observed at significant frequency in large population cohorts (gnomAD); This variant is associated with the following publications: (PMID: 25525159, 31343788, 16575836)